The following is an entry in ClinVar:

ClinVar aggregate classification (germline): Likely benign (1 of 4 stars; one submission).

Submission:

CeGaT Center for Human Genetics Tuebingen
Classification: Likely benign. Last evaluated: 2026-04-01. Review status: criteria provided, single submitter. Criteria: CeGaT Center For Human Genetics Tuebingen Variant Classification Criteria Version 2. Collection method: clinical testing. Allele origin: germline. Affected: yes. Observed: 1 variant allele.
Comment: ZC2HC1C: BS2

NM_024643.4(ZC2HC1C):c.985dup (p.Glu329fs)

Gene: ZC2HC1C (zinc finger C2HC-type containing 1C; plus strand). Cytogenetic location: 14q24.3.
Variant type: Duplication.
Coding change: c.985dup on transcript NM_024643.4 (MANE Select); coding-DNA position 985, one base duplicated (G; older notation c.985dupG).
Protein change: p.Glu329fs; shifts the reading frame from glutamic acid 329.
Molecular consequence: frameshift variant. On other transcripts: intron variant (1).
Genome position (GRCh38, 1-based): chr14:75,071,558, G duplicated; the last of 3 consecutive G bases (chr14:75,071,556-75,071,558); duplicating any one gives the same sequence. VCF-style (leftmost placement, unchanged base first): chr14-75071555-A-AG. GRCh37 (hg19) VCF-style: chr14-75538258-A-AG.
Other names: c.985dup, p.Glu329fs (NM_001330191.2); c.823+162dup (NM_001042430.3); short protein forms E329fs.
Identifiers: ClinVar variation 4871912 (VCV004871912.2).